The following is an entry in ClinVar:

NM_183235.3(RAB27A):c.147_148del (p.Arg50fs)

Gene: RAB27A (RAB27A, member RAS oncogene family; minus strand). Cytogenetic location: 15q21.3.
Variant type: Deletion.
Coding change: c.147_148del on transcript NM_183235.3 (MANE Select); coding-DNA positions 147 to 148, 2 bases deleted (AA; older notation c.147_148delAA).
Protein change: p.Arg50fs; shifts the reading frame from arginine 50.
Molecular consequence: frameshift variant.
Genome position (GRCh38, 1-based): chr15:55,234,787-55,234,788, TT deleted on the plus strand (AA on the coding strand, the reverse complement: RAB27A is on the minus strand); deleting any 2 consecutive bases within chr15:55,234,787-55,234,792 gives the same sequence; the c. name uses the placement nearest the transcript's 3' end. VCF-style (leftmost placement, unchanged base first): chr15-55234786-CTT-C. GRCh37 (hg19) VCF-style: chr15-55526984-CTT-C.
Other names: c.147_148del, p.Arg50fs (NM_004580.5, NM_183236.3); c.143_144delAA, p.Arg50Serfs (NM_183234.3); short protein forms R50fs.
Identifiers: ClinVar variation 2047437 (VCV002047437.4), dbSNP rs2542814247, ClinGen allele CA2580089802.

ClinVar aggregate classification (germline): Pathogenic (1 of 4 stars; one submission).

Conditions:
Griscelli syndrome type 2 (GS2). Also called: GRISCELLI SYNDROME WITH HEMOPHAGOCYTIC SYNDROME; PAID SYNDROME; PARTIAL ALBINISM AND IMMUNODEFICIENCY SYNDROME. Identifiers: Orphanet 381, Orphanet 79477, MedGen C1868679, MONDO:0011872, OMIM 607624.

Submission:

Labcorp Genetics (formerly Invitae), Labcorp
Classification: Pathogenic for Griscelli syndrome type 2. Last evaluated: 2021-12-18. Review status: criteria provided, single submitter. Criteria: Invitae Variant Classification Sherloc (09022015). Collection method: clinical testing. Allele origin: germline.
Comment: This sequence change creates a premature translational stop signal (p.Arg50Serfs*33) in the RAB27A gene. It is expected to result in an absent or disrupted protein product. Loss-of-function variants in RAB27A are known to be pathogenic (PMID: 10835631, 23160464). This variant is not present in population databases (gnomAD no frequency). This premature translational stop signal has been observed in individual(s) with clinical features of Griscelli syndrome (PMID: 23160464). For these reasons, this variant has been classified as Pathogenic.

Literature cited by the submitters: PubMed 10835631; PubMed 23160464.